The following is an entry in ClinVar:

ClinVar aggregate classification (germline): Uncertain significance (1 of 4 stars; one submission).

Conditions:
Hereditary cancer-predisposing syndrome. Also called: Neoplastic Syndromes, Hereditary; Tumor predisposition; Hereditary neoplastic syndrome; Hereditary Cancer Syndrome. Identifiers: Orphanet 140162, MedGen C0027672, MeSH D009386, MONDO:0015356.

Submission:

Ambry Genetics
Classification: Uncertain significance for Hereditary cancer-predisposing syndrome. Last evaluated: 2024-01-22. Review status: criteria provided, single submitter. Criteria: Ambry Variant Classification Scheme 2023. Collection method: clinical testing. Allele origin: germline.
Comment: The p.N2930Y variant (also known as c.8788A>T), located in coding exon 21 of the BRCA2 gene, results from an A to T substitution at nucleotide position 8788. The asparagine at codon 2930 is replaced by tyrosine, an amino acid with dissimilar properties. This amino acid position is conserved. In addition, the in silico prediction for this alteration is inconclusive. Based on the available evidence, the clinical significance of this alteration remains unclear.

NM_000059.4(BRCA2):c.8788A>T (p.Asn2930Tyr)

Gene: BRCA2 (BRCA2 DNA repair associated; plus strand). Cytogenetic location: 13q13.1.
Variant type: single nucleotide variant.
Coding change: c.8788A>T on transcript NM_000059.4 (MANE Select); coding-DNA position 8788, A replaced by T.
Protein change: p.Asn2930Tyr; replaces asparagine 2930 with tyrosine.
Molecular consequence: missense variant. On other transcripts: non-coding transcript variant (1).
Genome position (GRCh38, 1-based): chr13:32,379,350, A>T. VCF-style: chr13-32379350-A-T. GRCh37 (hg19) VCF-style: chr13-32953487-A-T.
Other names: c.8692A>T, p.Asn2898Tyr (NM_001406719.1); c.8788A>T, p.Asn2930Tyr (NM_001406720.1); c.3856A>T, p.Asn1286Tyr (NM_001406721.1); c.2371A>T, p.Asn791Tyr (NM_001406722.1); short protein forms N1286Y, N2898Y, N2930Y, N791Y.
Identifiers: ClinVar variation 3229449 (VCV003229449.1), dbSNP rs2137619222, ClinGen allele CA387755899.
Genomic context (GRCh38, chr13:32,379,350, plus strand): 5'-TTATTCCAATATCTTAAATGGTCACAGGGTTATTTCAGTGAAGAGCAGTTAAGAGCCTTG[A>T]ATAATCACAGGCAAATGTTGAATGATAAGAAACAAGCTCAGATCCAGTTGGAAATTAGGA-3'
Protein context (NP_000050.3, residues 2920-2940): YFSEEQLRAL[Asn2930Tyr]NHRQMLNDKK